The following is an entry in ClinVar:

NM_006393.3(NEBL):c.2549C>G (p.Ser850Cys)

Gene: NEBL (nebulette; minus strand). Cytogenetic location: 10p12.31.
Variant type: single nucleotide variant.
Coding change: c.2549C>G on transcript NM_006393.3 (MANE Select); coding-DNA position 2549, C replaced by G.
Protein change: p.Ser850Cys; replaces serine 850 with cysteine.
Molecular consequence: missense variant. On other transcripts: intron variant (8).
Genome position (GRCh38, 1-based): chr10:20,809,868, G>C on the plus strand (C>G on the coding strand, the complement: NEBL is on the minus strand). VCF-style: chr10-20809868-G-C. GRCh37 (hg19) VCF-style: chr10-21098797-G-C.
Other names: c.560C>G, p.Ser187Cys (NM_001377322.1); c.421+2901C>G (NM_001377326.1, NM_001377327.1, NM_001377328.1); c.529+2901C>G (NM_213569.2, NM_001173484.2); c.472+2901C>G (NM_001377324.1); c.463+2901C>G (NM_001377325.1); c.481+2901C>G (NM_001377323.1); short protein forms S850C, S187C.
Identifiers: ClinVar variation 3710921 (VCV003710921.2).

ClinVar aggregate classification (germline): Uncertain significance (1 of 4 stars; one submission).

Conditions:
Primary dilated cardiomyopathy (DCM). Also called: Dilated Cardiomyopathy. Identifiers: Orphanet 217604, MedGen C0007193, MeSH D002311, MONDO:0005021, HP:0001644. Inheritance: Various modes of inheritance.

gnomAD v4.1: 9 of 1,612,608 alleles (0.00056%); highest among the groups gnomAD compares: Non-Finnish European, 0.00076%; no homozygotes.

Submission:

Labcorp Genetics (formerly Invitae), Labcorp
Classification: Uncertain significance for Primary dilated cardiomyopathy. Last evaluated: 2024-08-08. Review status: criteria provided, single submitter. Criteria: Invitae Variant Classification Sherloc (09022015). Collection method: clinical testing. Allele origin: germline.
Comment: This sequence change replaces serine, which is neutral and polar, with cysteine, which is neutral and slightly polar, at codon 850 of the NEBL protein (p.Ser850Cys). This variant is present in population databases (rs748703797, gnomAD 0.0009%). This variant has not been reported in the literature in individuals affected with NEBL-related conditions. An algorithm developed to predict the effect of missense changes on protein structure and function (PolyPhen-2) suggests that this variant is likely to be disruptive. In summary, the available evidence is currently insufficient to determine the role of this variant in disease. Therefore, it has been classified as a Variant of Uncertain Significance.